The following is an entry in ClinVar:

ClinVar aggregate classification (germline): Pathogenic (0 of 4 stars; one submission).

Conditions:
Hypotonia, infantile, with psychomotor retardation and characteristic facies 3 (IHPRF3). Also called: TBCK-Related Neurodevelopmental Disorder. Identifiers: Orphanet 488632, MedGen C5567480, MONDO:0014823, OMIM 616900.

Allele frequency attached by ClinVar (database versions not stated): TOPMed below 0.00001.

Submission:

Clinical Genomics Laboratory, Stanford Medicine
Classification: Pathogenic for Hypotonia, infantile, with psychomotor retardation and characteristic facies 3. Last evaluated: 2019-08-16. Review status: no assertion criteria provided. Collection method: clinical testing. Allele origin: germline. Inheritance: Autosomal recessive inheritance. Affected: yes.
Comment: This variant leads to a premature stop codon in exon 23 of 26 coding exons, and is therefore predicted to undergo nonsense-mediated decay resulting in a truncated or absent protein. The p.Gln715* variant was absent from large population databases, including the Genome Aggregation Database. These data were assessed using the ACMG/AMP variant interpretation guidelines. In summary, there is sufficient evidence to classify the p.Gln715* variant as pathogenic for autosomal recessive TBCK-associated neurodevelopmental disorder based on the information above. [ACMG evidence codes used: PVS1, PM2, PM3_Supporting]

NM_001163435.3(TBCK):c.2143C>T (p.Gln715Ter)

Gene: TBCK (TBC1 domain containing kinase; minus strand). Cytogenetic location: 4q24.
Variant type: single nucleotide variant.
Coding change: c.2143C>T on transcript NM_001163435.3 (MANE Select); coding-DNA position 2143, C replaced by T.
Protein change: p.Gln715Ter; replaces glutamine 715 with a stop codon.
Molecular consequence: nonsense.
Genome position (GRCh38, 1-based): chr4:106,171,187, G>A on the plus strand (C>T on the coding strand, the complement: TBCK is on the minus strand). VCF-style: chr4-106171187-G-A. GRCh37 (hg19) VCF-style: chr4-107092344-G-A.
Other names: c.2026C>T, p.Gln676Ter (NM_001163437.3); c.1627C>T, p.Gln543Ter (NM_001290768.2); c.1954C>T, p.Gln652Ter (NM_033115.5); c.2143C>T, p.Gln715Ter (NM_001163436.4); short protein forms Q543*, Q652*, Q676*, Q715*.
Identifiers: ClinVar variation 976465 (VCV000976465.1), dbSNP rs1750958862, ClinGen allele CA357819397.